The following is an entry in ClinVar:

ClinVar aggregate classification (germline): Uncertain significance (1 of 4 stars; one submission).

Conditions:
Hereditary cancer-predisposing syndrome. Also called: Hereditary neoplastic syndrome; Neoplastic Syndromes, Hereditary; Tumor predisposition; Hereditary Cancer Syndrome. Identifiers: Orphanet 140162, MedGen C0027672, MeSH D009386, MONDO:0015356.

Submission:

Ambry Genetics
Classification: Uncertain significance for Hereditary cancer-predisposing syndrome. Last evaluated: 2025-08-27. Review status: criteria provided, single submitter. Criteria: Ambry Variant Classification Scheme 2023. Collection method: clinical testing. Allele origin: germline.
Comment: The p.R185L variant (also known as c.554G>T), located in coding exon 7 of the MUTYH gene, results from a G to T substitution at nucleotide position 554. The arginine at codon 185 is replaced by leucine, an amino acid with dissimilar properties. This amino acid position is conserved. In addition, this alteration is predicted to be deleterious by in silico analysis. Based on the available evidence, the clinical significance of this variant remains unclear.

NM_001048174.2(MUTYH):c.470G>T (p.Arg157Leu)

Gene: MUTYH (mutY DNA glycosylase; minus strand). Cytogenetic location: 1p34.1.
Variant type: single nucleotide variant.
Coding change: c.470G>T on transcript NM_001048174.2 (MANE Select); coding-DNA position 470, G replaced by T.
Protein change: p.Arg157Leu; replaces arginine 157 with leucine.
Molecular consequence: missense variant. On other transcripts: non-coding transcript variant (7).
Genome position (GRCh38, 1-based): chr1:45,332,785, C>A on the plus strand (G>T on the coding strand, the complement: MUTYH is on the minus strand). VCF-style: chr1-45332785-C-A. GRCh37 (hg19) VCF-style: chr1-45798457-C-A.
Other names: c.194G>T, p.Arg65Leu (NM_001293196.2, NM_001407091.1, NM_001293192.2); c.125G>T, p.Arg42Leu (NM_001350650.2, NM_001350651.2, NM_001407082.1); c.503G>T, p.Arg168Leu (NM_001407069.1, NM_001293191.2, NM_001407077.1); c.470G>T, p.Arg157Leu (NM_001407070.1, NM_001407072.1, NM_001407073.1 and 6 more transcripts); c.473G>T, p.Arg158Leu (NM_001407071.1, NM_001048172.2, NM_001407078.1 and 1 more transcripts); c.386G>T, p.Arg129Leu (NM_001407075.1); c.545G>T, p.Arg182Leu (NM_012222.3); c.554G>T, p.Arg185Leu (NM_001128425.2); and 5 more; short protein forms R143L, R182L, R157L, R168L, R185L, R129L, R171L, R65L.
Identifiers: ClinVar variation 4113723 (VCV004113723.1).